The following is an entry in ClinVar:

NM_000243.3(MEFV):c.319T>G (p.Ser107Ala)

Gene: MEFV (MEFV innate immunity regulator, pyrin; minus strand). Cytogenetic location: 16p13.3.
Variant type: single nucleotide variant.
Coding change: c.319T>G on transcript NM_000243.3 (MANE Select); coding-DNA position 319, T replaced by G.
Protein change: p.Ser107Ala; replaces serine 107 with alanine.
Molecular consequence: missense variant. On other transcripts: intron variant (1).
Genome position (GRCh38, 1-based): chr16:3,254,749, A>C on the plus strand (T>G on the coding strand, the complement: MEFV is on the minus strand). VCF-style: chr16-3254749-A-C. GRCh37 (hg19) VCF-style: chr16-3304749-A-C.
Other names: c.277+1562T>G (NM_001198536.2); short protein forms S107A.
Identifiers: ClinVar variation 1009611 (VCV001009611.12), dbSNP rs756029520, ClinGen allele CA7860457.

ClinVar aggregate classification (germline): Conflicting classifications of pathogenicity. Review status: criteria provided, conflicting classifications (1 of 4 stars). 6 submissions from 4 submitters: Uncertain significance (3); Likely benign (2). 1 of the submissions does not count toward it. Last evaluated 2023-12-11.

Conditions:
Acute febrile neutrophilic dermatosis (AFND). Also called: Sweet Syndrome; Gomm Button disease. Identifiers: Orphanet 3243, MedGen C0085077, MONDO:0011959, OMIM 608068.
Familial Mediterranean fever (FMF). Also called: POLYSEROSITIS, FAMILIAL PAROXYSMAL; POLYSEROSITIS, RECURRENT; Periodic peritonitis; Benign paroxysmal peritonitis. Identifiers: Orphanet 342, MedGen C0031069, MONDO:0018088, OMIM 249100. Disease mechanism: gain of function.
Familial Mediterranean fever, autosomal dominant. Also called: Dominant Familial Mediterranean Fever; FMF, AUTOSOMAL DOMINANT. Identifiers: Orphanet 342, MedGen C1851347, MONDO:0007601, OMIM 134610.

Allele frequency attached by ClinVar (database versions not stated): gnomAD exomes below 0.00001 and 0.00001; ExAC 0.00002; gnomAD 0.00001; TOPMed 0.00002.
gnomAD v4.1: 7 of 1,612,672 alleles (0.00043%); highest among the groups gnomAD compares: African/African-American, 0.0027%; no homozygotes.

Submissions (6):

Labcorp Genetics (formerly Invitae), Labcorp
Classification: Uncertain significance for Familial Mediterranean fever. Last evaluated: 2023-12-11. Review status: criteria provided, single submitter. Criteria: Invitae Variant Classification Sherloc (09022015). Collection method: clinical testing. Allele origin: germline.
Comment: This sequence change replaces serine, which is neutral and polar, with alanine, which is neutral and non-polar, at codon 107 of the MEFV protein (p.Ser107Ala). This variant is present in population databases (rs756029520, gnomAD 0.007%). This variant has not been reported in the literature in individuals affected with MEFV-related conditions. ClinVar contains an entry for this variant (Variation ID: 1009611). An algorithm developed to predict the effect of missense changes on protein structure and function (PolyPhen-2) suggests that this variant¬†is likely to be tolerated. In summary, the available evidence is currently insufficient to determine the role of this variant in disease. Therefore, it has been classified as a Variant of Uncertain Significance.

Genome-Nilou Lab
Classification: Uncertain significance for Familial Mediterranean fever. Last evaluated: 2023-02-08. Review status: criteria provided, single submitter. Criteria: ACMG Guidelines, 2015. Collection method: clinical testing. Allele origin: germline.

Genome-Nilou Lab
Classification: Likely benign for Familial Mediterranean fever, autosomal dominant. Last evaluated: 2023-02-08. Review status: criteria provided, single submitter. Criteria: ACMG Guidelines, 2015. Collection method: clinical testing. Allele origin: germline.

Genome-Nilou Lab
Classification: Likely benign for Acute febrile neutrophilic dermatosis. Last evaluated: 2023-02-08. Review status: criteria provided, single submitter. Criteria: ACMG Guidelines, 2015. Collection method: clinical testing. Allele origin: germline.

Fulgent Genetics
Classification: Uncertain significance for Familial Mediterranean fever, autosomal dominant; Familial Mediterranean fever; Acute febrile neutrophilic dermatosis. Last evaluated: 2021-11-19. Review status: criteria provided, single submitter. Criteria: ACMG Guidelines, 2015. Collection method: clinical testing. Allele origin: unknown.

Natera, Inc.
Classification: Uncertain significance for Familial Mediterranean fever. Last evaluated: 2020-07-28. Review status: no assertion criteria provided. Collection method: clinical testing. Allele origin: germline. Not counted in ClinVar's aggregate classification.